The following is an entry in ClinVar:

ClinVar aggregate classification (germline): Benign/Likely benign. Review status: criteria provided, multiple submitters, no conflicts (2 of 4 stars). 7 submissions from 7 submitters: Benign (4); Likely benign (3). Last evaluated 2026-01-21.

Conditions:
Myofibrillar myopathy 5. Also called: Filaminopathy (type); FILAMINOPATHY, AUTOSOMAL DOMINANT. Identifiers: Orphanet 171445, MedGen C1836050, MONDO:0012289, OMIM 609524.
Distal myopathy with posterior leg and anterior hand involvement. Also called: WILLIAMS DISTAL MYOPATHY. Identifiers: Orphanet 63273, MedGen C3279722, MONDO:0013550, OMIM 614065.
Hypertrophic cardiomyopathy 26. Also called: Cardiomyopathy, familial hypertrophic, 26. Identifiers: Orphanet 75249, MedGen C4310749, MONDO:0014883, OMIM 617047.
Cardiovascular phenotype. Identifiers: MedGen CN230736.

Allele frequency attached by ClinVar (database versions not stated): gnomAD exomes 0.00010 and 0.00039; gnomAD 0.00016 and 0.00018; TOPMed 0.00026; ExAC 0.00033; 1000 Genomes Project 30x 0.00094; 1000 Genomes Project 0.00100.
gnomAD v4.1: 169 of 1,614,144 alleles (0.01%); highest among the groups gnomAD compares: East Asian, 0.36%; no homozygotes.

Submissions (7):

Labcorp Genetics (formerly Invitae), Labcorp
Classification: Benign for Distal myopathy with posterior leg and anterior hand involvement; Myofibrillar myopathy 5; Hypertrophic cardiomyopathy 26. Last evaluated: 2026-01-21. Review status: criteria provided, single submitter. Criteria: Invitae Variant Classification Sherloc (09022015). Collection method: clinical testing. Allele origin: germline.

Revvity Omics, Revvity
Classification: Likely benign. Last evaluated: 2025-06-09. Review status: criteria provided, single submitter. Criteria: ACMG Guidelines, 2015. Collection method: clinical testing. Allele origin: germline.

Molecular Diagnostic Laboratory for Inherited Cardiovascular Disease, Montreal Heart Institute
Classification: Likely benign. Last evaluated: 2025-04-09. Review status: criteria provided, single submitter. Criteria: ACMG Guidelines, 2015. Collection method: clinical testing. Allele origin: germline. Affected: no.
Comment: PP3, BS1, BS2

Blueprint Genetics
Classification: Likely benign. Last evaluated: 2024-06-07. Review status: criteria provided, single submitter. Criteria: ACMG Guidelines, 2015. Collection method: clinical testing. Allele origin: germline.

Ambry Genetics
Classification: Benign for Cardiovascular phenotype. Last evaluated: 2021-07-19. Review status: criteria provided, single submitter. Criteria: Ambry Variant Classification Scheme 2023. Collection method: clinical testing. Allele origin: germline.

Mayo Clinic Laboratories, Mayo Clinic
Classification: Benign. Last evaluated: 2021-07-08. Review status: criteria provided, single submitter. Criteria: ACMG Guidelines, 2015. Collection method: clinical testing. Allele origin: germline. Observed: 2 variant alleles.

GeneDx
Classification: Benign. Last evaluated: 2020-12-01. Review status: criteria provided, single submitter. Criteria: GeneDx Variant Classification Process June 2021. Collection method: clinical testing. Allele origin: germline. Affected: yes.
Comment: This variant is associated with the following publications: (PMID: 30411535)

NM_001458.5(FLNC):c.2686G>A (p.Gly896Arg)

Gene: FLNC (filamin C; plus strand). Cytogenetic location: 7q32.1.
Variant type: single nucleotide variant.
Coding change: c.2686G>A on transcript NM_001458.5 (MANE Select); coding-DNA position 2686, G replaced by A.
Protein change: p.Gly896Arg; replaces glycine 896 with arginine.
Molecular consequence: missense variant.
Genome position (GRCh38, 1-based): chr7:128,843,452, G>A. VCF-style: chr7-128843452-G-A. GRCh37 (hg19) VCF-style: chr7-128483506-G-A.
Other names: p.Gly896Arg; c.2686G>A, p.Gly896Arg (NM_001127487.2); short protein forms G896R.
Identifiers: ClinVar variation 432306 (VCV000432306.21), dbSNP rs200215903, ClinGen allele CA4474822.